The following is an entry in ClinVar:

ClinVar aggregate classification (germline): Uncertain significance. Review status: criteria provided, multiple submitters, no conflicts (2 of 4 stars). 2 submissions from 2 submitters: Uncertain significance (2). Last evaluated 2022-06-13.

Conditions:
Hereditary spastic paraplegia 11. Also called: Spastic paraplegia, mental retardation and thin corpus callosum; SPASTIC PARAPLEGIA, AUTOSOMAL RECESSIVE, COMPLICATED, WITH THIN CORPUS CALLOSUM; SPASTIC PARAPLEGIA, AUTOSOMAL RECESSIVE, WITH MENTAL IMPAIRMENT AND THIN CORPUS CALLOSUM; Spastic Paraplegia 11; Nakamura Osame syndrome; Autosomal recessive hereditary spastic paraplegia, mental impairment, and thin corpus callosum. Identifiers: Orphanet 2822, MedGen C1858479, MONDO:0011445, OMIM 604360.

Allele frequency attached by ClinVar (database versions not stated): TOPMed below 0.00001; gnomAD 0.00001; gnomAD exomes 0.00001.
gnomAD v4.1: 10 of 1,614,050 alleles (0.00062%); highest among the groups gnomAD compares: Non-Finnish European, 0.00085%; no homozygotes.

Submissions (2):

Labcorp Genetics (formerly Invitae), Labcorp
Classification: Uncertain significance for Hereditary spastic paraplegia 11. Last evaluated: 2022-06-13. Review status: criteria provided, single submitter. Criteria: Invitae Variant Classification Sherloc (09022015). Collection method: clinical testing. Allele origin: germline.
Comment: This sequence change replaces glutamic acid, which is acidic and polar, with glutamine, which is neutral and polar, at codon 1437 of the SPG11 protein (p.Glu1437Gln). This variant is not present in population databases (gnomAD no frequency). This variant has not been reported in the literature in individuals affected with SPG11-related conditions. ClinVar contains an entry for this variant (Variation ID: 807231). Algorithms developed to predict the effect of missense changes on protein structure and function output the following: SIFT: "Tolerated"; PolyPhen-2: "Probably Damaging"; Align-GVGD: "Class C0". The glutamine amino acid residue is found in multiple mammalian species, which suggests that this missense change does not adversely affect protein function. In summary, the available evidence is currently insufficient to determine the role of this variant in disease. Therefore, it has been classified as a Variant of Uncertain Significance.

CeGaT Center for Human Genetics Tuebingen
Classification: Uncertain significance. Last evaluated: 2016-05-01. Review status: criteria provided, single submitter. Criteria: CeGaT Center For Human Genetics Tuebingen Variant Classification Criteria Version 2. Collection method: clinical testing. Allele origin: germline. Affected: yes. Observed: 1 variant allele.

NM_025137.4(SPG11):c.4309G>C (p.Glu1437Gln)

Genes: SPG11 (SPG11 vesicle trafficking associated, spatacsin; minus strand), LOC130056973 (ATAC-STARR-seq lymphoblastoid active region 9341; plus strand). Cytogenetic location: 15q21.1.
Variant type: single nucleotide variant.
Coding change: c.4309G>C on transcript NM_025137.4 (MANE Select); coding-DNA position 4309, G replaced by C.
Protein change: p.Glu1437Gln; replaces glutamic acid 1437 with glutamine.
Molecular consequence: missense variant.
Genome position (GRCh38, 1-based): chr15:44,596,208, C>G on the plus strand (G>C on the coding strand, the complement: SPG11 is on the minus strand). VCF-style: chr15-44596208-C-G. GRCh37 (hg19) VCF-style: chr15-44888406-C-G.
Other names: c.4309G>C, p.Glu1437Gln (NM_001160227.2); short protein forms E1437Q.
Identifiers: ClinVar variation 807231 (VCV000807231.43), dbSNP rs1595860365, ClinGen allele CA392227812.